The following is an entry in ClinVar:

NM_001367624.2(ZNF469):c.682C>G (p.Gln228Glu)

Gene: ZNF469 (zinc finger protein 469; plus strand). Cytogenetic location: 16q24.2.
Variant type: single nucleotide variant.
Coding change: c.682C>G on transcript NM_001367624.2 (MANE Select); coding-DNA position 682, C replaced by G.
Protein change: p.Gln228Glu; replaces glutamine 228 with glutamic acid.
Molecular consequence: missense variant.
Genome position (GRCh38, 1-based): chr16:88,428,152, C>G. VCF-style: chr16-88428152-C-G. GRCh37 (hg19) VCF-style: chr16-88494560-C-G.
Other names: NM_001127464.1:c.682C>G; short protein forms Q228E.
Identifiers: ClinVar variation 1307841 (VCV001307841.4), dbSNP rs1388683384, ClinGen allele CA397061577.
Genomic context (GRCh38, chr16:88,428,152, plus strand): 5'-CCGGGGCCCCCCCAGAGCAGGGGCACCAGCCCCCTCCAGCCCGGTTCCTATCCCGAATAC[C>G]AGGCCAGTGGGGCCGACTCCTGGCCTCCCGCTGCTGAGAATAGCTTCCCAGGTGCTAATT-3'
Protein context (NP_001354553.1, residues 218-238): PLQPGSYPEY[Gln228Glu]ASGADSWPPA

ClinVar aggregate classification (germline): Uncertain significance. Review status: criteria provided, multiple submitters, no conflicts (2 of 4 stars). 2 submissions from 2 submitters: Uncertain significance (2). Last evaluated 2022-12-13.

Conditions:
Cardiovascular phenotype. Identifiers: MedGen CN230736.

Allele frequency attached by ClinVar (database versions not stated): gnomAD 0.00001; gnomAD exomes 0.00001; TOPMed 0.00004.
gnomAD v4.1: 4 of 1,550,080 alleles (0.00026%); highest among the groups gnomAD compares: African/African-American, 0.0055%; no homozygotes.

Submissions (2):

Ambry Genetics
Classification: Uncertain significance for Cardiovascular phenotype. Last evaluated: 2022-12-13. Review status: criteria provided, single submitter. Criteria: Ambry Variant Classification Scheme 2023. Collection method: clinical testing. Allele origin: germline.
Comment: The p.Q228E variant (also known as c.682C>G), located in coding exon 1 of the ZNF469 gene, results from a C to G substitution at nucleotide position 682. The glutamine at codon 228 is replaced by glutamic acid, an amino acid with highly similar properties. This amino acid position is conserved. In addition, this alteration is predicted to be tolerated by in silico analysis. Since supporting evidence is limited at this time, the clinical significance of this alteration remains unclear.

GeneDx
Classification: Uncertain significance. Last evaluated: 2019-08-12. Review status: criteria provided, single submitter. Criteria: GeneDx Variant Classification Process June 2021. Collection method: clinical testing. Allele origin: germline. Affected: yes.